The following is an entry in ClinVar:

NM_006929.5(SKIC2):c.1712T>C (p.Val571Ala)

Gene: SKIC2 (SKI2 subunit of superkiller complex; plus strand). Cytogenetic location: 6p21.33.
Variant type: single nucleotide variant.
Coding change: c.1712T>C on transcript NM_006929.5 (MANE Select); coding-DNA position 1712, T replaced by C.
Protein change: p.Val571Ala; replaces valine 571 with alanine.
Molecular consequence: missense variant.
Genome position (GRCh38, 1-based): chr6:31,963,977, T>C. VCF-style: chr6-31963977-T-C. GRCh37 (hg19) VCF-style: chr6-31931754-T-C.
Other names: short protein forms V571A.
Identifiers: ClinVar variation 1463028 (VCV001463028.7), dbSNP rs1772656150, ClinGen allele CA363461094.
Genomic context (GRCh38, chr6:31,963,977, plus strand): 5'-GCGGAGTGTACCTGTCCCTCCTGGCCTCCCTCCGCACACGTGCCCAGTTGCCCGTGGTGG[T>C]GTTCACCTTCTCCCGGGGCCGCTGTGATGAGCAGGCCTCAGGCCTCACCTCCCTTGACCT-3'
Protein context (NP_008860.4, residues 561-581): LRTRAQLPVV[Val571Ala]FTFSRGRCDE

ClinVar aggregate classification (germline): Uncertain significance (1 of 4 stars; one submission).

Allele frequency attached by ClinVar (database versions not stated): gnomAD exomes below 0.00001; gnomAD 0.00001; TOPMed 0.00001.
gnomAD v4.1: 2 of 1,612,352 alleles (0.00012%); highest among the groups gnomAD compares: African/African-American, 0.0027%; no homozygotes.

Submission:

Labcorp Genetics (formerly Invitae), Labcorp
Classification: Uncertain significance. Last evaluated: 2021-06-07. Review status: criteria provided, single submitter. Criteria: Invitae Variant Classification Sherloc (09022015). Collection method: clinical testing. Allele origin: germline.
Comment: Algorithms developed to predict the effect of missense changes on protein structure and function (SIFT, PolyPhen-2, Align-GVGD) all suggest that this variant is likely to be tolerated, but these predictions have not been confirmed by published functional studies and their clinical significance is uncertain. In summary, the available evidence is currently insufficient to determine the role of this variant in disease. Therefore, it has been classified as a Variant of Uncertain Significance. This sequence change replaces valine with alanine at codon 571 of the SKIV2L protein (p.Val571Ala). The valine residue is moderately conserved and there is a small physicochemical difference between valine and alanine. This variant is not present in population databases (ExAC no frequency). This variant has not been reported in the literature in individuals with SKIV2L-related conditions.